The following is an entry in ClinVar:

ClinVar aggregate classification (germline): Uncertain significance (0 of 4 stars; one submission).

Conditions:
POMT1-related disorder. Also called: POMT1-related condition; POMT1-related disorders.

Submission:

PreventionGenetics, part of Exact Sciences
Classification: Uncertain significance for POMT1-related condition. Last evaluated: 2024-04-03. Review status: no assertion criteria provided. Collection method: clinical testing. Allele origin: germline.
Comment: The POMT1 c.1154A>C variant is predicted to result in the amino acid substitution p.Gln385Pro. To our knowledge, this variant has not been reported in the literature or in a large population database, indicating this variant is rare. At this time, the clinical significance of this variant is uncertain due to the absence of conclusive functional and genetic evidence.

NM_001077365.2(POMT1):c.1088A>C (p.Gln363Pro)

Gene: POMT1 (protein O-mannosyltransferase 1; plus strand). Cytogenetic location: 9q34.13.
Variant type: single nucleotide variant.
Coding change: c.1088A>C on transcript NM_001077365.2 (MANE Select); coding-DNA position 1088, A replaced by C.
Protein change: p.Gln363Pro; replaces glutamine 363 with proline.
Molecular consequence: missense variant. On other transcripts: 5 prime UTR variant (1), non-coding transcript variant (10), intron variant (1).
Genome position (GRCh38, 1-based): chr9:131,513,244, A>C. VCF-style: chr9-131513244-A-C. GRCh37 (hg19) VCF-style: chr9-134388631-A-C.
Other names: c.926A>C, p.Gln309Pro (NM_001077366.2, NM_001353194.2); c.1088A>C, p.Gln363Pro (NM_001136113.2, NM_001374690.1); c.737A>C, p.Gln246Pro (NM_001136114.2, NM_001353195.2, NM_001374691.1 and 1 more transcripts); c.1154A>C, p.Gln385Pro (NM_001353193.2, NM_007171.4); c.998A>C, p.Gln333Pro (NM_001353196.2); c.992A>C, p.Gln331Pro (NM_001353197.2, NM_001353198.2); c.803A>C, p.Gln268Pro (NM_001353199.2); c.632A>C, p.Gln211Pro (NM_001353200.2); and 4 more; short protein forms Q211P, Q233P, Q246P, Q268P, Q309P, Q331P, Q333P, Q359P.
Identifiers: ClinVar variation 3357775 (VCV003357775.1).